The following is an entry in ClinVar:

NM_002972.4(SBF1):c.473A>G (p.Glu158Gly)

Gene: SBF1 (SET binding factor 1; minus strand). Cytogenetic location: 22q13.33.
Variant type: single nucleotide variant.
Coding change: c.473A>G on transcript NM_002972.4 (MANE Select); coding-DNA position 473, A replaced by G.
Protein change: p.Glu158Gly; replaces glutamic acid 158 with glycine.
Molecular consequence: missense variant.
Genome position (GRCh38, 1-based): chr22:50,467,414, T>C on the plus strand (A>G on the coding strand, the complement: SBF1 is on the minus strand). VCF-style: chr22-50467414-T-C. GRCh37 (hg19) VCF-style: chr22-50905843-T-C.
Other names: c.476A>G, p.Glu159Gly (NM_001365819.1); short protein forms E158G, E159G.
Identifiers: ClinVar variation 1372288 (VCV001372288.5), dbSNP rs1315828788, ClinGen allele CA412223007.
Genomic context (GRCh38, chr22:50,467,414, plus strand): 5'-AGGGGCACAGTGCACGTCAGCAGGTTCCCAATCACGTTCTCCAGGCACACATTCAGGCCC[T>C]CCACGTGGATGGCATAGATGAGGCCAAGGCTGTTCTGCAATGACCAGAGCGGGGAGTGGT-3'
Protein context (NP_002963.2, residues 148-168): SLGLIYAIHV[Glu158Gly]GLNVCLENVI

ClinVar aggregate classification (germline): Uncertain significance (1 of 4 stars; one submission).

Allele frequency attached by ClinVar (database versions not stated): gnomAD exomes 0.00001 and 0.00002; gnomAD 0.00002; TOPMed 0.00002.
gnomAD v4.1: 16 of 1,614,022 alleles (0.00099%); highest among the groups gnomAD compares: Admixed American, 0.0067%; no homozygotes.

Submission:

Labcorp Genetics (formerly Invitae), Labcorp
Classification: Uncertain significance. Last evaluated: 2022-03-10. Review status: criteria provided, single submitter. Criteria: Invitae Variant Classification Sherloc (09022015). Collection method: clinical testing. Allele origin: germline.
Comment: This sequence change replaces glutamic acid, which is acidic and polar, with glycine, which is neutral and non-polar, at codon 158 of the SBF1 protein (p.Glu158Gly). This variant is present in population databases (no rsID available, gnomAD 0.006%). This variant has not been reported in the literature in individuals affected with SBF1-related conditions. Algorithms developed to predict the effect of missense changes on protein structure and function are either unavailable or do not agree on the potential impact of this missense change (SIFT: "Deleterious"; PolyPhen-2: "Benign"; Align-GVGD: "Class C0"). In summary, the available evidence is currently insufficient to determine the role of this variant in disease. Therefore, it has been classified as a Variant of Uncertain Significance.